The following is an entry in ClinVar:

NM_000465.4(BARD1):c.687T>A (p.Phe229Leu)

Gene: BARD1 (BRCA1 associated RING domain 1; minus strand). Cytogenetic location: 2q35.
Variant type: single nucleotide variant.
Coding change: c.687T>A on transcript NM_000465.4 (MANE Select); coding-DNA position 687, T replaced by A.
Protein change: p.Phe229Leu; replaces phenylalanine 229 with leucine.
Molecular consequence: missense variant. On other transcripts: non-coding transcript variant (2), intron variant (3).
Genome position (GRCh38, 1-based): chr2:214,781,187, A>T on the plus strand (T>A on the coding strand, the complement: BARD1 is on the minus strand). VCF-style: chr2-214781187-A-T. GRCh37 (hg19) VCF-style: chr2-215645911-A-T.
Other names: c.630T>A, p.Phe210Leu (NM_001282543.2); c.158+28225T>A (NM_001282548.2); c.215+15874T>A (NM_001282545.2); c.364+11110T>A (NM_001282549.2); c.687T>A (NM_000465.2); short protein forms F229L, F210L.
Identifiers: ClinVar variation 628334 (VCV000628334.6), dbSNP rs756803590, ClinGen allele CA350456410.
Genomic context (GRCh38, chr2:214,781,187, plus strand): 5'-GATAACAGATGGTTGGCTACAGAAGGATACCAGCTTTTGCTTAGATTCCTCTTTGGAGTC[A>T]AATTCACCATCTTCTTTTTCTGCCTCTAAATTCCATTTTTGGTTGATTTCAGCTAAAGTT-3'
Protein context (NP_000456.2, residues 219-239): NLEAEKEDGE[Phe229Leu]DSKEESKQKL

ClinVar aggregate classification (germline): Conflicting classifications of pathogenicity. Review status: criteria provided, conflicting classifications (1 of 4 stars). 2 submissions from 2 submitters: Uncertain significance (1); Likely benign (1). Last evaluated 2024-06-30.

Conditions:
Hereditary cancer-predisposing syndrome. Also called: Neoplastic Syndromes, Hereditary; Tumor predisposition; Hereditary neoplastic syndrome; Hereditary Cancer Syndrome. Identifiers: Orphanet 140162, MedGen C0027672, MeSH D009386, MONDO:0015356.

Submissions (2):

Ambry Genetics
Classification: Likely benign for Hereditary cancer-predisposing syndrome. Last evaluated: 2024-06-30. Review status: criteria provided, single submitter. Criteria: Ambry Variant Classification Scheme 2023. Collection method: clinical testing. Allele origin: germline.

Color Diagnostics, LLC DBA Color Health
Classification: Uncertain significance for Hereditary cancer-predisposing syndrome. Last evaluated: 2023-12-05. Review status: criteria provided, single submitter. Criteria: ACMG Guidelines, 2015. Collection method: clinical testing. Allele origin: germline.
Comment: This missense variant replaces phenylalanine with leucine at codon 229 of the BARD1 protein. Computational prediction suggests that this variant may not impact protein structure and function (internally defined REVEL score threshold <= 0.5, PMID: 27666373). To our knowledge, functional studies have not been reported for this variant. This variant has not been reported in individuals affected with BARD1-related disorders in the literature. This variant has not been identified in the general population by the Genome Aggregation Database (gnomAD). The available evidence is insufficient to determine the role of this variant in disease conclusively. Therefore, this variant is classified as a Variant of Uncertain Significance.